The following is an entry in ClinVar:

ClinVar aggregate classification (germline): Benign. Review status: criteria provided, multiple submitters, no conflicts (2 of 4 stars). 2 submissions from 2 submitters: Benign (2). Last evaluated 2018-06-14.

Allele frequency attached by ClinVar (database versions not stated): gnomAD 0.02699 and 0.03046; TOPMed 0.03430; gnomAD exomes 0.03052; 1000 Genomes Project 0.07388; 1000 Genomes Project 30x 0.06980.
gnomAD v4.1: 8,607 of 283,246 alleles (3%); highest among the groups gnomAD compares: East Asian, 28%; 609 homozygotes.

Submissions (2):

GeneDx
Classification: Benign. Last evaluated: 2018-06-14. Review status: criteria provided, single submitter. Criteria: GeneDx Variant Classification (06012015). Collection method: clinical testing. Allele origin: germline. Affected: yes.
Comment: This variant is considered likely benign or benign based on one or more of the following criteria: it is a conservative change, it occurs at a poorly conserved position in the protein, it is predicted to be benign by multiple in silico algorithms, and/or has population frequency not consistent with disease.

Breakthrough Genomics
Classification: Benign. Review status: criteria provided, single submitter. Criteria: ACMG Guidelines, 2015. Collection method: not provided. Allele origin: germline. Inheritance: Unknown mechanism. Affected: yes.

NM_152778.4(MFSD8):c.-75-333C>G

Genes: ABHD18 (abhydrolase domain containing 18; plus strand), MFSD8 (major facilitator superfamily domain containing 8; minus strand). Cytogenetic location: 4q28.2.
Variant type: single nucleotide variant.
Coding change: c.-75-333C>G on transcript NM_152778.4; 333 bases into the intron before 75 bases upstream of the start codon, C replaced by G.
Molecular consequence: intron variant. On other transcripts: 5 prime UTR variant (19).
Genome position (GRCh38, 1-based): chr4:127,965,541, G>C on the plus strand (C>G on the coding strand, the complement: MFSD8 is on the minus strand). VCF-style: chr4-127965541-G-C. GRCh37 (hg19) VCF-style: chr4-128886696-G-C.
Other names: c.-83G>C (NM_001039717.2, NM_001358451.3, NM_001358454.3 and 2 more transcripts); c.-273G>C (NM_001319305.3, NM_001366048.1); c.-363G>C (NM_001319306.3, NM_001366041.3, NM_001366047.1); c.-552G>C (NM_001319307.3, NM_001366037.3, NM_001366046.1); c.-884G>C (NM_001366038.3); c.-597G>C (NM_001366040.3); c.-702G>C (NM_001366042.3); c.-466G>C (NM_001366044.1); and 3 more.
Identifiers: ClinVar variation 671191 (VCV000671191.4), dbSNP rs2276899, ClinGen allele CA11836416.